The following is an entry in ClinVar:

NM_000465.4(BARD1):c.2279C>A (p.Ser760Ter)

Gene: BARD1 (BRCA1 associated RING domain 1; minus strand). Cytogenetic location: 2q35.
Variant type: single nucleotide variant.
Coding change: c.2279C>A on transcript NM_000465.4 (MANE Select); coding-DNA position 2279, C replaced by A.
Protein change: p.Ser760Ter; replaces serine 760 with a stop codon.
Molecular consequence: nonsense. On other transcripts: non-coding transcript variant (3).
Genome position (GRCh38, 1-based): chr2:214,728,731, G>T on the plus strand (C>A on the coding strand, the complement: BARD1 is on the minus strand). VCF-style: chr2-214728731-G-T. GRCh37 (hg19) VCF-style: chr2-215593455-G-T.
Other names: c.2222C>A, p.Ser741Ter (NM_001282543.2); c.926C>A, p.Ser309Ter (NM_001282545.2); c.869C>A, p.Ser290Ter (NM_001282548.2); c.740C>A, p.Ser247Ter (NM_001282549.2); short protein forms S290*, S741*, S309*, S760*, S247*.
Identifiers: ClinVar variation 934257 (VCV000934257.8), dbSNP rs730881425, ClinGen allele CA350449924.

ClinVar aggregate classification (germline): Likely pathogenic (1 of 4 stars; one submission).

Conditions:
Familial cancer of breast. Also called: Hereditary breast cancer; hereditary breast carcinoma; BREAST CANCER, FAMILIAL. Identifiers: Orphanet 227535, MedGen C0346153, MONDO:0016419, OMIM 114480. Disease mechanism: loss of function.

Submission:

Labcorp Genetics (formerly Invitae), Labcorp
Classification: Likely pathogenic for Familial cancer of breast. Last evaluated: 2024-03-02. Review status: criteria provided, single submitter. Criteria: Invitae Variant Classification Sherloc (09022015). Collection method: clinical testing. Allele origin: germline.
Comment: This sequence change creates a premature translational stop signal (p.Ser760*) in the BARD1 gene. While this is not anticipated to result in nonsense mediated decay, it is expected to disrupt the last 18 amino acid(s) of the BARD1 protein. This variant is not present in population databases (gnomAD no frequency). This variant has not been reported in the literature in individuals affected with BARD1-related conditions. ClinVar contains an entry for this variant (Variation ID: 934257). This variant disrupts the C-terminal BRCT domain of BARD1 protein, which is required for chromosome stability and homology-directed repair (PMID: 17848578). A different variant (p.Val767fs) that lies downstream of this variant has been reported to affect BARD1 protein function (PMID: 30925164), this suggests that disruption of this region of the protein is causative of disease. In summary, the currently available evidence indicates that the variant is pathogenic, but additional data are needed to prove that conclusively. Therefore, this variant has been classified as Likely Pathogenic.

Literature cited by the submitters: PubMed 17848578; PubMed 30925164.